The following is an entry in ClinVar:

ClinVar aggregate classification (germline): Pathogenic (1 of 4 stars; one submission).

Conditions:
Early-infantile DEE. Also called: Ohtahara syndrome; Early infantile epileptic encephalopathy; Early infantile epileptic encephalopathy with suppression bursts. Identifiers: Orphanet 1934, MedGen C0393706, MONDO:0800491.

Submission:

Labcorp Genetics (formerly Invitae), Labcorp
Classification: Pathogenic for Early-infantile DEE. Last evaluated: 2022-05-31. Review status: criteria provided, single submitter. Criteria: Invitae Variant Classification Sherloc (09022015). Collection method: clinical testing. Allele origin: germline.
Comment: For these reasons, this variant has been classified as Pathogenic. This variant has not been reported in the literature in individuals affected with KCNQ2-related conditions. This variant is not present in population databases (gnomAD no frequency). This sequence change creates a premature translational stop signal (p.Leu512Serfs*17) in the KCNQ2 gene. It is expected to result in an absent or disrupted protein product. Loss-of-function variants in KCNQ2 are known to be pathogenic (PMID: 14534157, 23692823, 27779742).

Literature cited by the submitters: PubMed 14534157; PubMed 23692823; PubMed 27779742.

NM_172107.4(KCNQ2):c.1534del (p.Leu512fs)

Gene: KCNQ2 (potassium voltage-gated channel subfamily Q member 2; minus strand). Cytogenetic location: 20q13.33.
Variant type: Deletion.
Coding change: c.1534del on transcript NM_172107.4 (MANE Select); coding-DNA position 1534, one base deleted (C; older notation c.1534delC).
Protein change: p.Leu512fs; shifts the reading frame from leucine 512.
Molecular consequence: frameshift variant.
Genome position (GRCh38, 1-based): chr20:63,414,185, G deleted on the plus strand (C on the coding strand, the reverse complement: KCNQ2 is on the minus strand); the first of 2 consecutive G bases (chr20:63,414,185-63,414,186); deleting either gives the same sequence. VCF-style (leftmost placement, unchanged base first): chr20-63414184-AG-A. GRCh37 (hg19) VCF-style: chr20-62045537-AG-A.
Other names: c.1480del, p.Leu494fs (NM_001382235.1, NM_172106.3); c.1450del, p.Leu484fs (NM_004518.6); c.1441del, p.Leu481fs (NM_172108.5); short protein forms L484fs, L494fs, L481fs, L512fs.
Identifiers: ClinVar variation 2000030 (VCV002000030.4), dbSNP rs2516177430, ClinGen allele CA2580098397.